The following is an entry in ClinVar:

ClinVar aggregate classification (germline): Uncertain significance (1 of 4 stars; one submission).

Submission:

Labcorp Genetics (formerly Invitae), Labcorp
Classification: Uncertain significance. Last evaluated: 2025-04-28. Review status: criteria provided, single submitter. Criteria: Invitae Variant Classification Sherloc (09022015). Collection method: clinical testing. Allele origin: germline.
Comment: This sequence change replaces isoleucine, which is neutral and non-polar, with methionine, which is neutral and non-polar, at codon 509 of the COL11A1 protein (p.Ile509Met). This variant is not present in population databases (gnomAD no frequency). This variant has not been reported in the literature in individuals affected with COL11A1-related conditions. ClinVar contains an entry for this variant (Variation ID: 2846321). Invitae Evidence Modeling of protein sequence and biophysical properties (such as structural, functional, and spatial information, amino acid conservation, physicochemical variation, residue mobility, and thermodynamic stability) indicates that this missense variant is not expected to disrupt COL11A1 protein function with a negative predictive value of 95%. In summary, the available evidence is currently insufficient to determine the role of this variant in disease. Therefore, it has been classified as a Variant of Uncertain Significance.

NM_001854.4(COL11A1):c.1527C>G (p.Ile509Met)

Gene: COL11A1 (collagen type XI alpha 1 chain; minus strand). Cytogenetic location: 1p21.1.
Variant type: single nucleotide variant.
Coding change: c.1527C>G on transcript NM_001854.4 (MANE Select); coding-DNA position 1527, C replaced by G.
Protein change: p.Ile509Met; replaces isoleucine 509 with methionine.
Molecular consequence: missense variant. On other transcripts: non-coding transcript variant (1).
Genome position (GRCh38, 1-based): chr1:103,014,556, G>C on the plus strand (C>G on the coding strand, the complement: COL11A1 is on the minus strand). VCF-style: chr1-103014556-G-C. GRCh37 (hg19) VCF-style: chr1-103480112-G-C.
Other names: c.1563C>G, p.Ile521Met (NM_080629.3); c.1179C>G, p.Ile393Met (NM_080630.4, NM_001168249.1); c.1410C>G, p.Ile470Met (NM_001190709.2); short protein forms I470M, I509M, I521M, I393M.
Identifiers: ClinVar variation 2846321 (VCV002846321.3), dbSNP rs2525490040, ClinGen allele CA341179115.